The following is an entry in ClinVar:

NM_001042492.3(NF1):c.6819+11C>T

Gene: NF1 (neurofibromin 1; plus strand). Cytogenetic location: 17q11.2.
Variant type: single nucleotide variant.
Coding change: c.6819+11C>T on transcript NM_001042492.3 (MANE Select); 11 bases into the intron after coding-DNA position 6819, C replaced by T.
Molecular consequence: intron variant.
Genome position (GRCh38, 1-based): chr17:31,338,150, C>T. VCF-style: chr17-31338150-C-T. GRCh37 (hg19) VCF-style: chr17-29665168-C-T.
Other names: c.6756+11C>T (NM_000267.4); c.6819+11C>T (NM_001042492.2).
Identifiers: ClinVar variation 1206652 (VCV001206652.50), dbSNP rs201213225, ClinGen allele CA8487431.

ClinVar aggregate classification (germline): Benign/Likely benign. Review status: criteria provided, multiple submitters, no conflicts (2 of 4 stars). 10 submissions from 10 submitters: Benign (4); Likely benign (5). 1 of the submissions does not count toward it. Last evaluated 2026-01-29.

Conditions:
Neurofibromatosis, type 1 (NF1). Also called: VON RECKLINGHAUSEN DISEASE; NEUROFIBROMATOSIS, TYPE I, SOMATIC; Neurofibromatosis, type I; Peripheral type neurofibromatosis. Identifiers: Orphanet 636, MedGen C0027831, MONDO:0018975, OMIM 162200. Disease mechanism: loss of function.
Hereditary cancer-predisposing syndrome. Also called: Neoplastic Syndromes, Hereditary; Hereditary Cancer Syndrome; Hereditary neoplastic syndrome; Tumor predisposition. Identifiers: Orphanet 140162, MedGen C0027672, MeSH D009386, MONDO:0015356.
Neurofibromatosis, familial spinal (FSNF). Identifiers: Orphanet 636, MedGen C1834235, MONDO:0008078, OMIM 162210. Disease mechanism: loss of function.
Juvenile myelomonocytic leukemia (JMML). Also called: LEUKEMIA, JUVENILE MYELOMONOCYTIC, SOMATIC. Identifiers: Orphanet 86834, MedGen C0349639, MONDO:0011908, OMIM 607785, HP:0012209.
Café-au-lait macules with pulmonary stenosis (WTSN). Also called: PULMONIC STENOSIS WITH CAFE-AU-LAIT SPOTS. Identifiers: MedGen C0553586, MONDO:0008672, OMIM 193520.
Neurofibromatosis-Noonan syndrome (NFNS). Also called: NEUROFIBROMATOSIS WITH NOONAN PHENOTYPE. Identifiers: Orphanet 638, MedGen C2931482, MONDO:0011035, OMIM 601321. Disease mechanism: loss of function.
NF1-related disorder. Also called: NF1-related condition. Identifiers: MedGen CN379171.
Cardiovascular phenotype. Identifiers: MedGen CN230736.

Allele frequency attached by ClinVar (database versions not stated): TOPMed 0.00001; gnomAD 0.00002 and 0.00004; gnomAD exomes 0.00006 and 0.00010; ExAC 0.00011; 1000 Genomes Project 30x 0.00031; 1000 Genomes Project 0.00040.
gnomAD v4.1: 94 of 1,547,490 alleles (0.0061%); highest among the groups gnomAD compares: East Asian, 0.15%; no homozygotes.

Submissions (10):

Labcorp Genetics (formerly Invitae), Labcorp
Classification: Benign for Neurofibromatosis, type 1. Last evaluated: 2026-01-29. Review status: criteria provided, single submitter. Criteria: Invitae Variant Classification Sherloc (09022015). Collection method: clinical testing. Allele origin: germline.

Women's Health and Genetics/Laboratory Corporation of America, LabCorp
Classification: Likely benign. Last evaluated: 2024-06-13. Review status: criteria provided, single submitter. Criteria: LabCorp Variant Classification Summary - May 2015. Collection method: clinical testing. Allele origin: germline.

Blueprint Genetics
Classification: Likely benign. Last evaluated: 2024-05-28. Review status: criteria provided, single submitter. Criteria: ACMG Guidelines, 2015. Collection method: clinical testing. Allele origin: germline.

CeGaT Center for Human Genetics Tuebingen
Classification: Likely benign. Last evaluated: 2023-04-01. Review status: criteria provided, single submitter. Criteria: CeGaT Center For Human Genetics Tuebingen Variant Classification Criteria Version 2. Collection method: clinical testing. Allele origin: germline. Affected: yes. Observed: 7 variant alleles.
Comment: NF1: BS1:Supporting

Ambry Genetics
Classification: Benign for Cardiovascular phenotype; Hereditary cancer-predisposing syndrome. Last evaluated: 2022-08-10. Review status: criteria provided, single submitter. Criteria: Ambry Variant Classification Scheme 2023. Collection method: clinical testing. Allele origin: germline.

Genome-Nilou Lab
Classification: Benign for Neurofibromatosis, type 1. Last evaluated: 2022-03-15. Review status: criteria provided, single submitter. Criteria: ACMG Guidelines, 2015. Collection method: clinical testing. Allele origin: germline. Affected: no.

Sema4
Classification: Likely benign for Hereditary cancer-predisposing syndrome. Last evaluated: 2020-11-09. Review status: criteria provided, single submitter. Criteria: Sema4 Curation Guidelines. Collection method: curation. Allele origin: germline.

GeneDx
Classification: Likely benign. Last evaluated: 2020-10-21. Review status: criteria provided, single submitter. Criteria: GeneDx Variant Classification Process June 2021. Collection method: clinical testing. Allele origin: germline. Affected: yes.
Comment: This variant is associated with the following publications: (PMID: 32575496, 31766501)

Center for Genomics, Ann and Robert H. Lurie Children's Hospital of Chicago
Classification: Benign for Café-au-lait macules with pulmonary stenosis; Juvenile myelomonocytic leukemia; Neurofibromatosis, familial spinal; Neurofibromatosis, type 1; Neurofibromatosis-Noonan syndrome. Review status: criteria provided, single submitter. Criteria: ACMG Guidelines, 2015. Collection method: clinical testing. Allele origin: germline.
Comment: This variant has been reported in the literature in 2 individuals with a clinical suspicion of neurofibromatosis type 1 (Bianchessi 2020 PMID:32575496). This variant is present in the Genome Aggregation Database at a frequency incompatible with disease incidence (Highest MAF: 1.1% (21/19952)). This variant is present in ClinVar, with multiple laboratories classifying it as benign or likely benign (Variation ID:1206652). This variant is an intronic variant with no predicted change in the amino acid sequence but may have an unknown effect on splicing. Further studies are needed to understand its impact. In summary, this variant is not expected to cause disease and is classified as benign.

PreventionGenetics, part of Exact Sciences
Classification: Likely benign for NF1-related condition. Last evaluated: 2021-04-12. Review status: no assertion criteria provided. Collection method: clinical testing. Allele origin: germline. Not counted in ClinVar's aggregate classification.
Comment: This variant is classified as likely benign based on ACMG/AMP sequence variant interpretation guidelines (Richards et al. 2015 PMID: 25741868, with internal and published modifications).

Literature cited by the submitters: PubMed 10678181 (cited by Women's Health and Genetics/Laboratory Corporation of America, LabCorp); PubMed 23460398 (cited by Women's Health and Genetics/Laboratory Corporation of America, LabCorp); PubMed 29872168 (cited by Women's Health and Genetics/Laboratory Corporation of America, LabCorp).